The following is an entry in ClinVar:

NM_001267550.2(TTN):c.51436+4A>C

Genes: TTN (titin; minus strand), TTN-AS1 (TTN antisense RNA 1; plus strand). Cytogenetic location: 2q31.2.
Variant type: single nucleotide variant.
Coding change: c.51436+4A>C on transcript NM_001267550.2 (MANE Select); 4 bases into the intron after coding-DNA position 51436, A replaced by C.
Molecular consequence: intron variant.
Genome position (GRCh38, 1-based): chr2:178,610,086, T>G on the plus strand (A>C on the coding strand, the complement: TTN is on the minus strand). VCF-style: chr2-178610086-T-G. GRCh37 (hg19) VCF-style: chr2-179474813-T-G.
Other names: c.24241+4A>C (NM_003319.4); c.24817+4A>C (NM_133437.4); c.24616+4A>C (NM_133432.3); c.43732+4A>C (NM_133378.4); c.46513+4A>C (NM_001256850.1).
Identifiers: ClinVar variation 3761368 (VCV003761368.2).

ClinVar aggregate classification (germline): Uncertain significance. Review status: criteria provided, multiple submitters, no conflicts (2 of 4 stars). 2 submissions from 2 submitters: Uncertain significance (2). Last evaluated 2025-12-18.

Conditions:
Autosomal recessive limb-girdle muscular dystrophy type 2J (LGMDR10). Also called: Limb-girdle muscular dystrophy, type 2J; MUSCULAR DYSTROPHY, LIMB-GIRDLE, AUTOSOMAL RECESSIVE 10. Identifiers: Orphanet 140922, MedGen C1837342, MONDO:0012127, OMIM 608807.
Dilated cardiomyopathy 1G (CMD1G). Identifiers: Orphanet 154, MedGen C1858763, MONDO:0011400, OMIM 604145.
Cardiovascular phenotype. Identifiers: MedGen CN230736.

gnomAD v4.1: 5 of 1,612,658 alleles (0.00031%); highest among the groups gnomAD compares: Non-Finnish European, 0.00042%; no homozygotes.

Submissions (2):

Ambry Genetics
Classification: Uncertain significance for Cardiovascular phenotype. Last evaluated: 2025-12-18. Review status: criteria provided, single submitter. Criteria: Ambry Variant Classification Scheme 2023. Collection method: clinical testing. Allele origin: germline.
Comment: The c.24241+4A>C intronic variant results from an A to C substitution 4 nucleotides after coding exon 98 in the TTN gene. This nucleotide position is well conserved in available vertebrate species. In silico splice site analysis for this alteration is inconclusive. Based on the available evidence, the clinical significance of this variant remains unclear.

Labcorp Genetics (formerly Invitae), Labcorp
Classification: Uncertain significance for Dilated cardiomyopathy 1G; Autosomal recessive limb-girdle muscular dystrophy type 2J. Last evaluated: 2024-03-21. Review status: criteria provided, single submitter. Criteria: Invitae Variant Classification Sherloc (09022015). Collection method: clinical testing. Allele origin: germline.
Comment: This sequence change falls in intron 271 of the TTN gene. It does not directly change the encoded amino acid sequence of the TTN protein. It affects a nucleotide within the consensus splice site. This variant is present in population databases (rs776768213, gnomAD 0.0009%). This variant has not been reported in the literature in individuals affected with TTN-related conditions. Variants that disrupt the consensus splice site are a relatively common cause of aberrant splicing (PMID: 17576681, 9536098). Algorithms developed to predict the effect of sequence changes on RNA splicing suggest that this variant may disrupt the consensus splice site. This variant is located in the A band of TTN (PMID: 25589632). Variants in this region may be relevant for cardiac or neuromuscular disorders (PMID: 25589632, 23975875). In summary, the available evidence is currently insufficient to determine the role of this variant in disease. Therefore, it has been classified as a Variant of Uncertain Significance.

Literature cited by the submitters: PubMed 17576681 (cited by Labcorp Genetics (formerly Invitae), Labcorp); PubMed 9536098 (cited by Labcorp Genetics (formerly Invitae), Labcorp); PubMed 25589632 (cited by Labcorp Genetics (formerly Invitae), Labcorp); PubMed 23975875 (cited by Labcorp Genetics (formerly Invitae), Labcorp).